The following is an entry in ClinVar:

ClinVar aggregate classification (germline): Uncertain significance. Review status: criteria provided, single submitter (1 of 4 stars). 2 submissions from 2 submitters: Uncertain significance (1). 1 of the submissions does not count toward it. Last evaluated 2022-03-23.

Conditions:
Glycine encephalopathy. Also called: Nonketotic hyperglycinemia; Non-ketotic hyperglycinemia. Identifiers: Orphanet 407, MedGen C0751748, MONDO:0011612, HP:0008288.

Allele frequency attached by ClinVar (database versions not stated): TOPMed below 0.00001; ExAC 0.00001; gnomAD exomes 0.00001.
gnomAD v4.1: 2 of 1,614,054 alleles (0.00012%); highest among the groups gnomAD compares: Admixed American, 0.0033%; no homozygotes.

Submissions (2):

Labcorp Genetics (formerly Invitae), Labcorp
Classification: Uncertain significance for Glycine encephalopathy. Last evaluated: 2022-03-23. Review status: criteria provided, single submitter. Criteria: Invitae Variant Classification Sherloc (09022015). Collection method: clinical testing. Allele origin: germline.
Comment: This sequence change replaces alanine, which is neutral and non-polar, with threonine, which is neutral and polar, at codon 328 of the AMT protein (p.Ala328Thr). This variant is present in population databases (rs765464808, gnomAD 0.006%). This variant has not been reported in the literature in individuals affected with AMT-related conditions. ClinVar contains an entry for this variant (Variation ID: 1060502). Advanced modeling of protein sequence and biophysical properties (such as structural, functional, and spatial information, amino acid conservation, physicochemical variation, residue mobility, and thermodynamic stability) performed at Invitae indicates that this missense variant is not expected to disrupt AMT protein function. In summary, the available evidence is currently insufficient to determine the role of this variant in disease. Therefore, it has been classified as a Variant of Uncertain Significance.

Natera, Inc.
Classification: Uncertain significance for Non-ketotic hyperglycinemia. Last evaluated: 2020-03-04. Review status: no assertion criteria provided. Collection method: clinical testing. Allele origin: germline. Not counted in ClinVar's aggregate classification.

NM_000481.4(AMT):c.982G>A (p.Ala328Thr)

Gene: AMT (aminomethyltransferase; minus strand). Cytogenetic location: 3p21.31.
Variant type: single nucleotide variant.
Coding change: c.982G>A on transcript NM_000481.4 (MANE Select); coding-DNA position 982, G replaced by A.
Protein change: p.Ala328Thr; replaces alanine 328 with threonine.
Molecular consequence: missense variant. On other transcripts: non-coding transcript variant (1).
Genome position (GRCh38, 1-based): chr3:49,417,869, C>T on the plus strand (G>A on the coding strand, the complement: AMT is on the minus strand). VCF-style: chr3-49417869-C-T. GRCh37 (hg19) VCF-style: chr3-49455302-C-T.
Other names: c.850G>A, p.Ala284Thr (NM_001164710.2); c.814G>A, p.Ala272Thr (NM_001164711.2); c.982G>A, p.Ala328Thr (NM_001164712.2); short protein forms A272T, A284T, A328T.
Identifiers: ClinVar variation 1060502 (VCV001060502.5), dbSNP rs765464808, ClinGen allele CA2398189.